The following is an entry in ClinVar:

NM_001100913.3(PACS2):c.1049C>T (p.Pro350Leu)

Gene: PACS2 (phosphofurin acidic cluster sorting protein 2; plus strand). Cytogenetic location: 14q32.33.
Variant type: single nucleotide variant.
Coding change: c.1049C>T on transcript NM_001100913.3 (MANE Select); coding-DNA position 1049, C replaced by T.
Protein change: p.Pro350Leu; replaces proline 350 with leucine.
Molecular consequence: missense variant.
Genome position (GRCh38, 1-based): chr14:105,379,828, C>T. VCF-style: chr14-105379828-C-T. GRCh37 (hg19) VCF-style: chr14-105846165-C-T.
Other names: c.1049C>T (NM_001100913.2); c.824C>T, p.Pro275Leu (NM_001243127.3); c.1049C>T, p.Pro350Leu (NM_015197.4); short protein forms P275L, P350L.
Identifiers: ClinVar variation 1708350 (VCV001708350.33), dbSNP rs782179266, ClinGen allele CA7388682.

ClinVar aggregate classification (germline): Conflicting classifications of pathogenicity. Review status: criteria provided, conflicting classifications (1 of 4 stars). 5 submissions from 5 submitters: Uncertain significance (1); Benign (1); Likely benign (3). Last evaluated 2026-01-13.

Conditions:
Developmental and epileptic encephalopathy, 66. Also called: EPILEPTIC ENCEPHALOPATHY, EARLY INFANTILE, 66. Identifiers: MedGen C4748070, MONDO:0054845, OMIM 618067.
Inborn genetic diseases. Identifiers: MedGen C0950123, MeSH D030342.

Allele frequency attached by ClinVar (database versions not stated): gnomAD 0.00005; TOPMed 0.00006; ExAC 0.00012.
gnomAD v4.1: 64 of 1,612,952 alleles (0.004%); highest among the groups gnomAD compares: South Asian, 0.016%; 1 homozygote.

Submissions (5):

Labcorp Genetics (formerly Invitae), Labcorp
Classification: Benign. Last evaluated: 2026-01-13. Review status: criteria provided, single submitter. Criteria: Invitae Variant Classification Sherloc (09022015). Collection method: clinical testing. Allele origin: germline.

Ambry Genetics
Classification: Likely benign for Inborn genetic diseases. Last evaluated: 2024-07-09. Review status: criteria provided, single submitter. Criteria: Ambry Variant Classification Scheme 2023. Collection method: clinical testing. Allele origin: germline.

CeGaT Center for Human Genetics Tuebingen
Classification: Likely benign. Last evaluated: 2022-08-01. Review status: criteria provided, single submitter. Criteria: CeGaT Center For Human Genetics Tuebingen Variant Classification Criteria Version 2. Collection method: clinical testing. Allele origin: germline. Affected: yes. Observed: 1 variant allele.
Comment: PACS2: BP4, BS2

Department of Pathology and Laboratory Medicine, Sinai Health System
Classification: Likely benign for Developmental and epileptic encephalopathy, 66. Last evaluated: 2022-03-23. Review status: criteria provided, single submitter. Criteria: ACMG Guidelines, 2015. Collection method: research. Allele origin: germline.

Centre of Medical Genetics, University Hospital Muenster
Classification: Uncertain significance. Last evaluated: 2021-12-22. Review status: criteria provided, single submitter. Criteria: ACMG Guidelines, 2015. Collection method: clinical testing. Allele origin: unknown. Affected: yes. Observed: 1 variant allele, 1 heterozygote.
Comment: ACMG categories: PM1,PM2,PP2